The following is an entry in ClinVar:

NM_000104.4(CYP1B1):c.1291C>T (p.Pro431Ser)

Genes: CYP1B1 (cytochrome P450 family 1 subfamily B member 1; minus strand), LOC128772254 (melanoma risk locus-associated MPRA allelic enhancer 2:38298139; plus strand). Cytogenetic location: 2p22.2.
Variant type: single nucleotide variant.
Coding change: c.1291C>T on transcript NM_000104.4 (MANE Select); coding-DNA position 1291, C replaced by T.
Protein change: p.Pro431Ser; replaces proline 431 with serine.
Molecular consequence: missense variant.
Genome position (GRCh38, 1-based): chr2:38,071,063, G>A on the plus strand (C>T on the coding strand, the complement: CYP1B1 is on the minus strand). VCF-style: chr2-38071063-G-A. GRCh37 (hg19) VCF-style: chr2-38298206-G-A.
Other names: c.1291C>T (NM_000104.3); short protein forms P431S.
Identifiers: ClinVar variation 2790834 (VCV002790834.3), dbSNP rs1303177290, ClinGen allele CA346327458.

ClinVar aggregate classification (germline): Uncertain significance. Review status: criteria provided, multiple submitters, no conflicts (2 of 4 stars). 2 submissions from 2 submitters: Uncertain significance (2). Last evaluated 2025-05-06.

Conditions:
Inborn genetic diseases. Identifiers: MedGen C0950123, MeSH D030342.
Congenital glaucoma. Identifiers: MedGen C0020302, MONDO:0020366.

Allele frequency attached by ClinVar (database versions not stated): gnomAD exomes below 0.00001; TOPMed below 0.00001; gnomAD 0.00001.
gnomAD v4.1: 3 of 1,613,420 alleles (0.00019%); highest among the groups gnomAD compares: Non-Finnish European, 0.00017%; no homozygotes.

Submissions (2):

Ambry Genetics
Classification: Uncertain significance for Inborn genetic diseases. Last evaluated: 2025-05-06. Review status: criteria provided, single submitter. Criteria: Ambry Variant Classification Scheme 2023. Collection method: clinical testing. Allele origin: germline.

Labcorp Genetics (formerly Invitae), Labcorp
Classification: Uncertain significance for Congenital glaucoma. Last evaluated: 2023-10-13. Review status: criteria provided, single submitter. Criteria: Invitae Variant Classification Sherloc (09022015). Collection method: clinical testing. Allele origin: germline.
Comment: This sequence change replaces proline, which is neutral and non-polar, with serine, which is neutral and polar, at codon 431 of the CYP1B1 protein (p.Pro431Ser). This variant is present in population databases (no rsID available, gnomAD 0.0009%). This variant has not been reported in the literature in individuals affected with CYP1B1-related conditions. Advanced modeling of protein sequence and biophysical properties (such as structural, functional, and spatial information, amino acid conservation, physicochemical variation, residue mobility, and thermodynamic stability) has been performed at Invitae for this missense variant, however the output from this modeling did not meet the statistical confidence thresholds required to predict the impact of this variant on CYP1B1 protein function. In summary, the available evidence is currently insufficient to determine the role of this variant in disease. Therefore, it has been classified as a Variant of Uncertain Significance.